The following is an entry in ClinVar:

NM_020699.4(GATAD2B):c.28C>T (p.Arg10Cys)

Gene: GATAD2B (GATA zinc finger domain containing 2B; minus strand). Cytogenetic location: 1q21.3.
Variant type: single nucleotide variant.
Coding change: c.28C>T on transcript NM_020699.4 (MANE Select); coding-DNA position 28, C replaced by T.
Protein change: p.Arg10Cys; replaces arginine 10 with cysteine.
Molecular consequence: missense variant.
Genome position (GRCh38, 1-based): chr1:153,828,320, G>A on the plus strand (C>T on the coding strand, the complement: GATAD2B is on the minus strand). VCF-style: chr1-153828320-G-A. GRCh37 (hg19) VCF-style: chr1-153800796-G-A.
Other names: c.28C>T (NM_020699.3); short protein forms R10C.
Identifiers: ClinVar variation 1203720 (VCV001203720.7), dbSNP rs750326578, ClinGen allele CA1120932.

ClinVar aggregate classification (germline): Conflicting classifications of pathogenicity. Review status: criteria provided, conflicting classifications (1 of 4 stars). 3 submissions from 3 submitters: Uncertain significance (1); Likely benign (1). 1 of the submissions does not count toward it. Last evaluated 2023-12-06.

Conditions:
GATAD2B-related disorder. Also called: GATAD2B-related condition.

Allele frequency attached by ClinVar (database versions not stated): gnomAD exomes below 0.00001 and 0.00001; ExAC 0.00001; gnomAD 0.00001 and 0.00002; TOPMed 0.00002.
gnomAD v4.1: 11 of 1,611,084 alleles (0.00068%); highest among the groups gnomAD compares: African/African-American, 0.0027%; no homozygotes.

Submissions (3):

Labcorp Genetics (formerly Invitae), Labcorp
Classification: Uncertain significance. Last evaluated: 2023-12-06. Review status: criteria provided, single submitter. Criteria: Invitae Variant Classification Sherloc (09022015). Collection method: clinical testing. Allele origin: germline.
Comment: This sequence change replaces arginine, which is basic and polar, with cysteine, which is neutral and slightly polar, at codon 10 of the GATAD2B protein (p.Arg10Cys). This variant is present in population databases (rs750326578, gnomAD 0.004%). This variant has not been reported in the literature in individuals affected with GATAD2B-related conditions. ClinVar contains an entry for this variant (Variation ID: 1203720). Advanced modeling of protein sequence and biophysical properties (such as structural, functional, and spatial information, amino acid conservation, physicochemical variation, residue mobility, and thermodynamic stability) performed at Invitae indicates that this missense variant is expected to disrupt GATAD2B protein function with a positive predictive value of 80%. In summary, the available evidence is currently insufficient to determine the role of this variant in disease. Therefore, it has been classified as a Variant of Uncertain Significance.

GeneDx
Classification: Likely benign. Last evaluated: 2021-02-06. Review status: criteria provided, single submitter. Criteria: GeneDx Variant Classification Process June 2021. Collection method: clinical testing. Allele origin: germline. Affected: yes.
Comment: In silico analysis, which includes protein predictors and evolutionary conservation, supports a deleterious effect; Missense variant in a gene in which most reported pathogenic variants are truncating/loss-of-function; Has not been previously published as pathogenic or benign to our knowledge

PreventionGenetics, part of Exact Sciences
Classification: Uncertain significance for GATAD2B-related condition. Last evaluated: 2024-06-07. Review status: no assertion criteria provided. Collection method: clinical testing. Allele origin: germline. Not counted in ClinVar's aggregate classification.
Comment: The GATAD2B c.28C>T variant is predicted to result in the amino acid substitution p.Arg10Cys. To our knowledge, this variant has not been reported in the literature. This variant is reported in 0.0033% of alleles in individuals of South Asian descent in gnomAD. At this time, the clinical significance of this variant is uncertain due to the absence of conclusive functional and genetic evidence.